The following is an entry in ClinVar:

NM_001130987.2(DYSF):c.3772A>G (p.Met1258Val)

Gene: DYSF (dysferlin; plus strand). Cytogenetic location: 2p13.2.
Variant type: single nucleotide variant.
Coding change: c.3772A>G on transcript NM_001130987.2 (MANE Select); coding-DNA position 3772, A replaced by G.
Protein change: p.Met1258Val; replaces methionine 1258 with valine.
Molecular consequence: missense variant.
Genome position (GRCh38, 1-based): chr2:71,600,717, A>G. VCF-style: chr2-71600717-A-G. GRCh37 (hg19) VCF-style: chr2-71827847-A-G.
Other names: c.3721A>G, p.Met1241Val (NM_001130455.2, NM_001130983.2); c.3676A>G, p.Met1226Val (NM_001130976.2, NM_001130977.2); c.3718A>G, p.Met1240Val (NM_001130978.2, NM_003494.4); c.3811A>G, p.Met1271Val (NM_001130979.2); c.3769A>G, p.Met1257Val (NM_001130980.2, NM_001130981.2); c.3814A>G, p.Met1272Val (NM_001130982.2); c.3679A>G, p.Met1227Val (NM_001130984.2, NM_001130986.2); c.3772A>G, p.Met1258Val (NM_001130985.2); short protein forms M1257V, M1258V, M1272V, M1271V, M1226V, M1227V, M1240V, M1241V.
Identifiers: ClinVar variation 1977464 (VCV001977464.2), dbSNP rs2546061033, ClinGen allele CA347224855.
Genomic context (GRCh38, chr2:71,600,717, plus strand): 5'-CCTGGGTAAGGGATGCTGATTCTTGTCTCTCTACGCTTGGTCTAGGGTGCAGACGAGTTT[A>G]TGGGTCGCTGCATCTGTCAACCGAGTCTGGAACGGATGCCACGGCTGGCCTGGTTCCCAC-3'
Protein context (NP_001124459.1, residues 1248-1268): DHDTYGADEF[Met1258Val]GRCICQPSLE

ClinVar aggregate classification (germline): Uncertain significance (1 of 4 stars; one submission).

Conditions:
Neuromuscular disease caused by qualitative or quantitative defects of dysferlin. Also called: Qualitative or quantitative defects of dysferlin; Dysferlinopathy. Identifiers: Orphanet 207073, MedGen C2931687, MONDO:0016145.

Submission:

Labcorp Genetics (formerly Invitae), Labcorp
Classification: Uncertain significance for Neuromuscular disease caused by qualitative or quantitative defects of dysferlin. Last evaluated: 2021-10-28. Review status: criteria provided, single submitter. Criteria: Invitae Variant Classification Sherloc (09022015). Collection method: clinical testing. Allele origin: germline.
Comment: This sequence change replaces methionine, which is neutral and non-polar, with valine, which is neutral and non-polar, at codon 1240 of the DYSF protein (p.Met1240Val). This variant is not present in population databases (gnomAD no frequency). This variant has not been reported in the literature in individuals affected with DYSF-related conditions. Advanced modeling of protein sequence and biophysical properties (such as structural, functional, and spatial information, amino acid conservation, physicochemical variation, residue mobility, and thermodynamic stability) performed at Invitae indicates that this missense variant is not expected to disrupt DYSF protein function. In summary, the available evidence is currently insufficient to determine the role of this variant in disease. Therefore, it has been classified as a Variant of Uncertain Significance.